The following is an entry in ClinVar:

NM_001079872.2(CUL4B):c.53A>G (p.Gln18Arg)

Genes: CUL4B (cullin 4B; minus strand), LOC113845788 (Sharpr-MPRA regulatory region 11856; plus strand). Cytogenetic location: Xq24.
Variant type: single nucleotide variant.
Coding change: c.53A>G on transcript NM_001079872.2 (MANE Select); coding-DNA position 53, A replaced by G.
Protein change: p.Gln18Arg; replaces glutamine 18 with arginine.
Molecular consequence: missense variant.
Genome position (GRCh38, 1-based): chrX:120,560,586, T>C on the plus strand (A>G on the coding strand, the complement: CUL4B is on the minus strand). VCF-style: chrX-120560586-T-C. GRCh37 (hg19) VCF-style: chrX-119694441-T-C.
Other names: c.68A>G, p.Gln23Arg (NM_001330624.2); c.107A>G, p.Gln36Arg (NM_003588.4); short protein forms Q18R, Q23R, Q36R.
Identifiers: ClinVar variation 959482 (VCV000959482.12), dbSNP rs1199433297, ClinGen allele CA414206264.

ClinVar aggregate classification (germline): Conflicting classifications of pathogenicity. Review status: criteria provided, conflicting classifications (1 of 4 stars). 3 submissions from 3 submitters: Uncertain significance (2); Likely benign (1). Last evaluated 2026-08-31.

Conditions:
Inborn genetic diseases. Identifiers: MedGen C0950123, MeSH D030342.
X-linked intellectual disability Cabezas type (MRXSC). Also called: CABEZAS SYNDROME; Intellectual developmental disorder, X-linked syndromic, Cabezas type; MENTAL RETARDATION, X-LINKED, SYNDROMIC 15. Identifiers: Orphanet 85289, Orphanet 85293, MedGen C1845861, MONDO:0010306, OMIM 300354.

Allele frequency attached by ClinVar (database versions not stated): TOPMed 0.00001.

Submissions (3):

Ambry Genetics
Classification: Uncertain significance for Inborn genetic diseases. Last evaluated: 2026-08-31. Review status: criteria provided, single submitter. Criteria: Ambry Variant Classification Scheme 2023. Collection method: clinical testing. Allele origin: germline.

3billion
Classification: Likely benign for X-linked intellectual disability Cabezas type. Last evaluated: 2024-09-20. Review status: criteria provided, single submitter. Criteria: ACMG Guidelines, 2015. Collection method: clinical testing. Allele origin: germline. Affected: no.
Comment: The hemizygous variant was found in patients with no symptoms related to the gene containing the hemizygous variant.

Labcorp Genetics (formerly Invitae), Labcorp
Classification: Uncertain significance for X-linked intellectual disability Cabezas type. Last evaluated: 2019-10-26. Review status: criteria provided, single submitter. Criteria: Invitae Variant Classification Sherloc (09022015). Collection method: clinical testing. Allele origin: germline.
Comment: In summary, the available evidence is currently insufficient to determine the role of this variant in disease. Therefore, it has been classified as a Variant of Uncertain Significance. Algorithms developed to predict the effect of missense changes on protein structure and function are either unavailable or do not agree on the potential impact of this missense change (SIFT: "Deleterious"; PolyPhen-2: "Possibly Damaging"; Align-GVGD: "Class C0"). This variant has not been reported in the literature in individuals with CUL4B-related conditions. This variant is not present in population databases (ExAC no frequency). This sequence change replaces glutamine with arginine at codon 36 of the CUL4B protein (p.Gln36Arg). The glutamine residue is moderately conserved and there is a small physicochemical difference between glutamine and arginine.